The following is an entry in ClinVar:

NM_001199138.2(NLRC4):c.2450G>A (p.Ser817Asn)

Gene: NLRC4 (NLR family CARD domain containing 4; minus strand). Cytogenetic location: 2p22.3.
Variant type: single nucleotide variant.
Coding change: c.2450G>A on transcript NM_001199138.2 (MANE Select); coding-DNA position 2450, G replaced by A.
Protein change: p.Ser817Asn; replaces serine 817 with asparagine.
Molecular consequence: missense variant.
Genome position (GRCh38, 1-based): chr2:32,238,203, C>T on the plus strand (G>A on the coding strand, the complement: NLRC4 is on the minus strand). VCF-style: chr2-32238203-C-T. GRCh37 (hg19) VCF-style: chr2-32463272-C-T.
Other names: c.2450G>A, p.Ser817Asn (NM_001199139.2, NM_021209.5); c.455G>A, p.Ser152Asn (NM_001302504.2); short protein forms S817N, S152N.
Identifiers: ClinVar variation 1936031 (VCV001936031.5), dbSNP rs1475354613, ClinGen allele CA346509320.
Genomic context (GRCh38, chr2:32,238,203, plus strand): 5'-ACTGCATTTGCAGACAAGCAGCAGGAGACTAATTGAATTTCTTCAAGGTCACAGGGTTCA[C>T]TTGACAGAGACTTGACTATGTAATCCATTCCCTCTCCAATGTCAGACAAGTGGGTCAAAT-3'
Protein context (NP_001186067.1, residues 807-827): GMDYIVKSLS[Ser817Asn]EPCDLEEIQL

ClinVar aggregate classification (germline): Uncertain significance (1 of 4 stars; one submission).

Conditions:
Familial cold autoinflammatory syndrome 4 (FCAS4). Identifiers: Orphanet 47045, Orphanet 576349, MedGen C4015276, MONDO:0014498, OMIM 616115.
Periodic fever-infantile enterocolitis-autoinflammatory syndrome. Also called: Autoinflammation with infantile enterocolitis. Identifiers: Orphanet 436166, MedGen C4015067, MONDO:0014472, OMIM 616050.

Allele frequency attached by ClinVar (database versions not stated): gnomAD 0.00001; gnomAD exomes 0.00001; TOPMed 0.00002.
gnomAD v4.1: 18 of 1,613,798 alleles (0.0011%); highest among the groups gnomAD compares: Non-Finnish European, 0.0014%; no homozygotes.

Submission:

Labcorp Genetics (formerly Invitae), Labcorp
Classification: Uncertain significance for Periodic fever-infantile enterocolitis-autoinflammatory syndrome; Familial cold autoinflammatory syndrome 4. Last evaluated: 2022-02-03. Review status: criteria provided, single submitter. Criteria: Invitae Variant Classification Sherloc (09022015). Collection method: clinical testing. Allele origin: germline.
Comment: In summary, the available evidence is currently insufficient to determine the role of this variant in disease. Therefore, it has been classified as a Variant of Uncertain Significance. Algorithms developed to predict the effect of missense changes on protein structure and function (SIFT, PolyPhen-2, Align-GVGD) all suggest that this variant is likely to be tolerated. This variant has not been reported in the literature in individuals affected with NLRC4-related conditions. The frequency data for this variant in the population databases is considered unreliable, as metrics indicate poor data quality at this position in the gnomAD database. This sequence change replaces serine, which is neutral and polar, with asparagine, which is neutral and polar, at codon 817 of the NLRC4 protein (p.Ser817Asn).